The following is an entry in ClinVar:

NM_006086.4(TUBB3):c.439A>C (p.Met147Leu)

Gene: TUBB3 (tubulin beta 3 class III; plus strand). Cytogenetic location: 16q24.3.
Variant type: single nucleotide variant.
Coding change: c.439A>C on transcript NM_006086.4 (MANE Select); coding-DNA position 439, A replaced by C.
Protein change: p.Met147Leu; replaces methionine 147 with leucine.
Molecular consequence: missense variant.
Genome position (GRCh38, 1-based): chr16:89,934,890, A>C. VCF-style: chr16-89934890-A-C. GRCh37 (hg19) VCF-style: chr16-90001298-A-C.
Other names: c.223A>C, p.Met75Leu (NM_001197181.2); short protein forms M147L, M75L.
Identifiers: ClinVar variation 2446568 (VCV002446568.2), dbSNP rs2544627276, ClinGen allele CA397474533.

ClinVar aggregate classification (germline): Uncertain significance. Review status: criteria provided, multiple submitters, no conflicts (2 of 4 stars). 2 submissions from 2 submitters: Uncertain significance (2). Last evaluated 2026-06-17.

Conditions:
Inborn genetic diseases. Identifiers: MedGen C0950123, MeSH D030342.

Submissions (2):

Ambry Genetics
Classification: Uncertain significance for Inborn genetic diseases. Last evaluated: 2026-06-17. Review status: criteria provided, single submitter. Criteria: Ambry Variant Classification Scheme 2023. Collection method: clinical testing. Allele origin: germline.

GeneDx
Classification: Uncertain significance. Last evaluated: 2023-03-30. Review status: criteria provided, single submitter. Criteria: GeneDx Variant Classification Process June 2021. Collection method: clinical testing. Allele origin: germline. Affected: yes.
Comment: Not observed at significant frequency in large population cohorts (gnomAD); In silico analysis supports that this missense variant does not alter protein structure/function; Has not been previously published as pathogenic or benign to our knowledge; This variant is associated with the following publications: (PMID: 20829227)